The following is an entry in ClinVar:

NM_033022.4(RPS24):c.7G>A (p.Asp3Asn)

Gene: RPS24 (ribosomal protein S24; plus strand). Cytogenetic location: 10q22.3.
Variant type: single nucleotide variant.
Coding change: c.7G>A on transcript NM_033022.4 (MANE Select); coding-DNA position 7, G replaced by A.
Protein change: p.Asp3Asn; replaces aspartic acid 3 with asparagine.
Molecular consequence: missense variant.
Genome position (GRCh38, 1-based): chr10:78,035,355, G>A. VCF-style: chr10-78035355-G-A. GRCh37 (hg19) VCF-style: chr10-79795113-G-A.
Other names: c.7G>A, p.Asp3Asn (NM_001026.5, NM_001142282.2, NM_001142283.2 and 2 more transcripts); short protein forms D3N.
Identifiers: ClinVar variation 1393430 (VCV001393430.8), dbSNP rs772167568, ClinGen allele CA5571915.

ClinVar aggregate classification (germline): Uncertain significance (1 of 4 stars; one submission).

Conditions:
Diamond-Blackfan anemia. Also called: Blackfan Diamond syndrome; Aregenerative anemia chronic congenital; Red cell aplasia, pure hereditary; Congenital hypoplastic anemia; Aase syndrome. Identifiers: Orphanet 124, MedGen C1260899, MeSH D029503, MONDO:0015253, HP:0004810.

Allele frequency attached by ClinVar (database versions not stated): ExAC 0.00001; gnomAD exomes 0.00001.
gnomAD v4.1: 5 of 1,614,002 alleles (0.00031%); highest among the groups gnomAD compares: Non-Finnish European, 0.00042%; no homozygotes.

Submission:

Labcorp Genetics (formerly Invitae), Labcorp
Classification: Uncertain significance for Diamond-Blackfan anemia. Last evaluated: 2024-10-29. Review status: criteria provided, single submitter. Criteria: Invitae Variant Classification Sherloc (09022015). Collection method: clinical testing. Allele origin: germline.
Comment: This sequence change replaces aspartic acid, which is acidic and polar, with asparagine, which is neutral and polar, at codon 3 of the RPS24 protein (p.Asp3Asn). This variant is present in population databases (rs772167568, gnomAD 0.002%). This variant has not been reported in the literature in individuals affected with RPS24-related conditions. ClinVar contains an entry for this variant (Variation ID: 1393430). An algorithm developed to predict the effect of missense changes on protein structure and function (PolyPhen-2) suggests that this variant is likely to be tolerated. In summary, the available evidence is currently insufficient to determine the role of this variant in disease. Therefore, it has been classified as a Variant of Uncertain Significance.